The following is an entry in ClinVar:

NM_152703.5(SAMD9L):c.2640C>T (p.His880=)

Gene: SAMD9L (sterile alpha motif domain containing 9 like; minus strand). Cytogenetic location: 7q21.2.
Variant type: single nucleotide variant.
Coding change: c.2640C>T on transcript NM_152703.5 (MANE Select); coding-DNA position 2640, C replaced by T.
Protein change: p.His880=; no amino-acid change (histidine 880 retained).
Molecular consequence: synonymous variant.
Genome position (GRCh38, 1-based): chr7:93,133,332, G>A on the plus strand (C>T on the coding strand, the complement: SAMD9L is on the minus strand). VCF-style: chr7-93133332-G-A. GRCh37 (hg19) VCF-style: chr7-92762645-G-A.
Other names: c.2640C>T, p.His880= (NM_001350084.2, NM_001350085.2, NM_001303496.3 and 5 more transcripts); c.2640C>T (NM_152703.2).
Identifiers: ClinVar variation 3036918 (VCV003036918.3), dbSNP rs878855336, ClinGen allele CA161960143.

ClinVar aggregate classification (germline): Likely benign. Review status: criteria provided, single submitter (1 of 4 stars). 2 submissions from 2 submitters: Likely benign (1). 1 of the submissions does not count toward it. Last evaluated 2026-06-27.

Conditions:
Inborn genetic diseases. Identifiers: MedGen C0950123, MeSH D030342.
SAMD9L-related disorder. Also called: SAMD9L-related condition; SAMD9L-related disorders.

gnomAD v4.1: 1 of 1,612,968 alleles (0.000062%); no homozygotes.

Submissions (2):

Ambry Genetics
Classification: Likely benign for Inborn genetic diseases. Last evaluated: 2026-06-27. Review status: criteria provided, single submitter. Criteria: Ambry Variant Classification Scheme 2023. Collection method: clinical testing. Allele origin: germline.

PreventionGenetics, part of Exact Sciences
Classification: Likely benign for SAMD9L-related condition. Last evaluated: 2020-09-02. Review status: no assertion criteria provided. Collection method: clinical testing. Allele origin: germline. Not counted in ClinVar's aggregate classification.
Comment: This variant is classified as likely benign based on ACMG/AMP sequence variant interpretation guidelines (Richards et al. 2015 PMID: 25741868, with internal and published modifications).